The following is an entry in ClinVar:

ClinVar aggregate classification (germline): Benign/Likely benign. Review status: criteria provided, multiple submitters, no conflicts (2 of 4 stars). 3 submissions from 3 submitters: Benign (1); Likely benign (2). Last evaluated 2026-06-02.

Conditions:
Hereditary cancer-predisposing syndrome. Also called: Tumor predisposition; Hereditary Cancer Syndrome; Hereditary neoplastic syndrome; Neoplastic Syndromes, Hereditary. Identifiers: Orphanet 140162, MedGen C0027672, MeSH D009386, MONDO:0015356.
Gastrointestinal stromal tumor. Also called: Gastrointestinal stroma tumor; Gastrointestinal stromal tumor, somatic. Identifiers: Orphanet 44890, MedGen C0238198, MeSH D046152, MONDO:0011719, OMIM 606764, HP:0100723.

Allele frequency attached by ClinVar (database versions not stated): gnomAD exomes 0.00001.
gnomAD v4.1: 8 of 1,613,850 alleles (0.0005%); highest among the groups gnomAD compares: East Asian, 0.018%; no homozygotes.

Submissions (3):

Myriad Genetics, Inc.
Classification: Benign for Gastrointestinal stromal tumor. Last evaluated: 2026-06-02. Review status: criteria provided, single submitter. Criteria: Myriad Autosomal Dominant, Autosomal Recessive and X-Linked Classification Criteria (2023). Collection method: clinical testing. Allele origin: unknown.
Comment: This variant is considered benign. This variant is a silent/synonymous amino acid change and it is not expected to impact splicing.

Labcorp Genetics (formerly Invitae), Labcorp
Classification: Likely benign for Gastrointestinal stromal tumor. Last evaluated: 2023-04-15. Review status: criteria provided, single submitter. Criteria: Invitae Variant Classification Sherloc (09022015). Collection method: clinical testing. Allele origin: germline.

Ambry Genetics
Classification: Likely benign for Hereditary cancer-predisposing syndrome. Last evaluated: 2023-02-25. Review status: criteria provided, single submitter. Criteria: Ambry Variant Classification Scheme 2023. Collection method: clinical testing. Allele origin: germline.

NM_000222.3(KIT):c.63G>A (p.Gln21=)

Gene: KIT (KIT proto-oncogene, receptor tyrosine kinase; plus strand). Cytogenetic location: 4q12.
Variant type: single nucleotide variant.
Coding change: c.63G>A on transcript NM_000222.3 (MANE Select); coding-DNA position 63, G replaced by A.
Protein change: p.Gln21=; no amino-acid change (glutamine 21 retained).
Molecular consequence: synonymous variant.
Genome position (GRCh38, 1-based): chr4:54,658,077, G>A. VCF-style: chr4-54658077-G-A. GRCh37 (hg19) VCF-style: chr4-55524244-G-A.
Other names: c.63G>A, p.Gln21= (NM_001093772.2, NM_001385284.1, NM_001385285.1 and 4 more transcripts); c.63G>A (NM_000222.2).
Identifiers: ClinVar variation 1137158 (VCV001137158.12), dbSNP rs1197233271, ClinGen allele CA439290626.